The following is an entry in ClinVar:

NM_002207.3(ITGA9):c.2234+8G>C

Gene: ITGA9 (integrin subunit alpha 9; plus strand). Cytogenetic location: 3p22.2.
Variant type: single nucleotide variant.
Coding change: c.2234+8G>C on transcript NM_002207.3 (MANE Select); 8 bases into the intron after coding-DNA position 2234, G replaced by C.
Molecular consequence: intron variant.
Genome position (GRCh38, 1-based): chr3:37,736,991, G>C. VCF-style: chr3-37736991-G-C. GRCh37 (hg19) VCF-style: chr3-37778482-G-C.
Identifiers: ClinVar variation 3035004 (VCV003035004.2), dbSNP rs200735233, ClinGen allele CA2311109.

ClinVar aggregate classification (germline): Likely benign (0 of 4 stars; one submission).

Conditions:
ITGA9-related disorder. Also called: ITGA9-related condition.

Allele frequency attached by ClinVar (database versions not stated): ESP Exome Variant Server 0.00008.
gnomAD v4.1: 599 of 1,584,914 alleles (0.038%); highest among the groups gnomAD compares: Non-Finnish European, 0.05%; no homozygotes.

Submission:

PreventionGenetics, part of Exact Sciences
Classification: Likely benign for ITGA9-related condition. Last evaluated: 2019-08-05. Review status: no assertion criteria provided. Collection method: clinical testing. Allele origin: germline.
Comment: This variant is classified as likely benign based on ACMG/AMP sequence variant interpretation guidelines (Richards et al. 2015 PMID: 25741868, with internal and published modifications).